The following is an entry in ClinVar:

ClinVar aggregate classification (germline): Pathogenic (1 of 4 stars; one submission).

Conditions:
Hereditary cancer-predisposing syndrome. Also called: Neoplastic Syndromes, Hereditary; Hereditary neoplastic syndrome; Tumor predisposition; Hereditary Cancer Syndrome. Identifiers: Orphanet 140162, MedGen C0027672, MeSH D009386, MONDO:0015356.

Allele frequency attached by ClinVar (database versions not stated): gnomAD exomes below 0.00001.

Submission:

Ambry Genetics
Classification: Pathogenic for Hereditary cancer-predisposing syndrome. Last evaluated: 2023-03-15. Review status: criteria provided, single submitter. Criteria: Ambry Variant Classification Scheme 2023. Collection method: clinical testing. Allele origin: germline.
Comment: The c.3058dupA pathogenic mutation, located in coding exon 19 of the ATM gene, results from a duplication of A at nucleotide position 3058, causing a translational frameshift with a predicted alternate stop codon (p.T1020Nfs*28). This alteration was identified with a second ATM nonsense alteration in an individual diagnosed with ataxia telangiectasia; however phase was not determined (Micol R et al. J Allergy Clin Immunol, 2011 Aug;128:382-9.e1). This variant is considered to be rare based on population cohorts in the Genome Aggregation Database (gnomAD). In addition to the clinical data presented in the literature, this alteration is expected to result in loss of function by premature protein truncation or nonsense-mediated mRNA decay. As such, this alteration is interpreted as a disease-causing mutation.

Literature cited by the submitters: PubMed 21665257.

NM_000051.4(ATM):c.3058dup (p.Thr1020fs)

Gene: ATM (ATM serine/threonine kinase; plus strand). Cytogenetic location: 11q22.3.
Variant type: Duplication.
Coding change: c.3058dup on transcript NM_000051.4 (MANE Select); coding-DNA position 3058, one base duplicated (A; older notation c.3058dupA).
Protein change: p.Thr1020fs; shifts the reading frame from threonine 1020.
Molecular consequence: frameshift variant.
Genome position (GRCh38, 1-based): chr11:108,271,387, A duplicated. VCF-style (leftmost placement, unchanged base first): chr11-108271386-T-TA. GRCh37 (hg19) VCF-style: chr11-108142113-T-TA.
Other names: c.3058dupA (NM_000051.3); c.3058dup, p.Thr1020fs (NM_001351834.2); short protein forms T1020fs.
Identifiers: ClinVar variation 2454001 (VCV002454001.3), dbSNP rs2497691427, ClinGen allele CA2580083259.